The following is an entry in ClinVar:

NM_002335.4(LRP5):c.80C>T (p.Ala27Val)

Gene: LRP5 (LDL receptor related protein 5; plus strand). Cytogenetic location: 11q13.2.
Variant type: single nucleotide variant.
Coding change: c.80C>T on transcript NM_002335.4 (MANE Select); coding-DNA position 80, C replaced by T.
Protein change: p.Ala27Val; replaces alanine 27 with valine.
Molecular consequence: missense variant. On other transcripts: 5 prime UTR variant (1).
Genome position (GRCh38, 1-based): chr11:68,312,794, C>T. VCF-style: chr11-68312794-C-T. GRCh37 (hg19) VCF-style: chr11-68080262-C-T.
Other names: c.-1686C>T (NM_001291902.2); short protein forms A27V.
Identifiers: ClinVar variation 2126660 (VCV002126660.4), dbSNP rs2153110234, ClinGen allele CA381607590.

ClinVar aggregate classification (germline): Uncertain significance (1 of 4 stars; one submission).

Submission:

Labcorp Genetics (formerly Invitae), Labcorp
Classification: Uncertain significance. Last evaluated: 2022-04-16. Review status: criteria provided, single submitter. Criteria: Invitae Variant Classification Sherloc (09022015). Collection method: clinical testing. Allele origin: germline.
Comment: In summary, the available evidence is currently insufficient to determine the role of this variant in disease. Therefore, it has been classified as a Variant of Uncertain Significance. Advanced modeling of protein sequence and biophysical properties (such as structural, functional, and spatial information, amino acid conservation, physicochemical variation, residue mobility, and thermodynamic stability) performed at Invitae indicates that this missense variant is not expected to disrupt LRP5 protein function. This variant has not been reported in the literature in individuals affected with LRP5-related conditions. The frequency data for this variant in the population databases is considered unreliable, as metrics indicate insufficient coverage at this position in the gnomAD database. This sequence change replaces alanine, which is neutral and non-polar, with valine, which is neutral and non-polar, at codon 27 of the LRP5 protein (p.Ala27Val).